The following is an entry in ClinVar:

NM_001036.6(RYR3):c.14262C>G (p.Phe4754Leu)

Genes: AVEN (apoptosis and caspase activation inhibitor; minus strand), RYR3 (ryanodine receptor 3; plus strand). Cytogenetic location: 15q14.
Variant type: single nucleotide variant.
Coding change: c.14262C>G on transcript NM_001036.6 (MANE Select); coding-DNA position 14262, C replaced by G.
Protein change: p.Phe4754Leu; replaces phenylalanine 4754 with leucine.
Molecular consequence: missense variant.
Genome position (GRCh38, 1-based): chr15:33,859,694, C>G. VCF-style: chr15-33859694-C-G. GRCh37 (hg19) VCF-style: chr15-34151895-C-G.
Other names: c.14247C>G, p.Phe4749Leu (NM_001243996.4); short protein forms F4749L, F4754L.
Identifiers: ClinVar variation 858045 (VCV000858045.9), dbSNP rs1040889450, ClinGen allele CA391592889.

ClinVar aggregate classification (germline): Uncertain significance (1 of 4 stars; one submission).

Conditions:
Epileptic encephalopathy. Identifiers: MedGen C0543888, HP:0200134.

Allele frequency attached by ClinVar (database versions not stated): gnomAD exomes below 0.00001 and 0.00001.
gnomAD v4.1: 2 of 1,612,958 alleles (0.00012%); highest among the groups gnomAD compares: Admixed American, 0.0033%; no homozygotes.

Submission:

Labcorp Genetics (formerly Invitae), Labcorp
Classification: Uncertain significance for Epileptic encephalopathy. Last evaluated: 2019-03-19. Review status: criteria provided, single submitter. Criteria: Invitae Variant Classification Sherloc (09022015). Collection method: clinical testing. Allele origin: germline.
Comment: In summary, the available evidence is currently insufficient to determine the role of this variant in disease. Therefore, it has been classified as a Variant of Uncertain Significance. Algorithms developed to predict the effect of missense changes on protein structure and function are either unavailable or do not agree on the potential impact of this missense change (SIFT: "Deleterious"; PolyPhen-2: "Possibly Damaging"; Align-GVGD: "Class C0"). This variant has not been reported in the literature in individuals with RYR3-related conditions. This variant is not present in population databases (ExAC no frequency). This sequence change replaces phenylalanine with leucine at codon 4754 of the RYR3 protein (p.Phe4754Leu). The phenylalanine residue is highly conserved and there is a small physicochemical difference between phenylalanine and leucine.